The following is an entry in ClinVar:

ClinVar aggregate classification (germline): Uncertain significance (1 of 4 stars; one submission).

Allele frequency attached by ClinVar (database versions not stated): gnomAD exomes below 0.00001.

Submission:

Labcorp Genetics (formerly Invitae), Labcorp
Classification: Uncertain significance. Last evaluated: 2023-11-14. Review status: criteria provided, single submitter. Criteria: Invitae Variant Classification Sherloc (09022015). Collection method: clinical testing. Allele origin: germline.
Comment: This sequence change creates a premature translational stop signal (p.Arg587*) in the TNNI3K gene. It is expected to result in an absent or disrupted protein product. However, the current clinical and genetic evidence is not sufficient to establish whether loss-of-function variants in TNNI3K cause disease. This variant is not present in population databases (gnomAD no frequency). This variant has not been reported in the literature in individuals affected with TNNI3K-related conditions. In summary, the available evidence is currently insufficient to determine the role of this variant in disease. Therefore, it has been classified as a Variant of Uncertain Significance.

NM_015978.3(TNNI3K):c.1759_1760del (p.His586_Arg587insTer)

Genes: FPGT-TNNI3K (FPGT-TNNI3K readthrough; plus strand), TNNI3K (TNNI3 interacting kinase; plus strand). Cytogenetic location: 1p31.1.
Variant type: Deletion.
Coding change: c.1759_1760del on transcript NM_015978.3 (MANE Select); coding-DNA positions 1759 to 1760, 2 bases deleted (CG; older notation c.1759_1760delCG).
Protein change: p.His586_Arg587insTer.
Molecular consequence: nonsense.
Genome position (GRCh38, 1-based): chr1:74,370,379-74,370,380, CG deleted. VCF-style (leftmost placement, unchanged base first): chr1-74370378-TCG-T. GRCh37 (hg19) VCF-style: chr1-74836062-TCG-T.
Other names: c.2062_2063del, p.His687_Arg688insTer (NM_001112808.3, NM_001199327.2).
Identifiers: ClinVar variation 2778371 (VCV002778371.3), dbSNP rs2524475974, ClinGen allele CA2646215026.
Genomic context (GRCh38, chr1:74,370,378, plus strand): 5'-TGCAGTAGATGTTGCCAAAGGCATGGAGTACCTTCACAACCTGACACAGCCAATTATACA[TCG>T]TGACTTGAACAGGTATTTTTTTCCTAAATAATGAACTCAGAAGGGTATGACTAACTGGGA-3'